The following is an entry in ClinVar:

NM_007272.3(CTRC):c.737G>C (p.Arg246Pro)

Gene: CTRC (chymotrypsin C; plus strand). Cytogenetic location: 1p36.21.
Variant type: single nucleotide variant.
Coding change: c.737G>C on transcript NM_007272.3 (MANE Select); coding-DNA position 737, G replaced by C.
Protein change: p.Arg246Pro; replaces arginine 246 with proline.
Molecular consequence: missense variant.
Genome position (GRCh38, 1-based): chr1:15,445,694, G>C. VCF-style: chr1-15445694-G-C. GRCh37 (hg19) VCF-style: chr1-15772189-G-C.
Other names: short protein forms R246P.
Identifiers: ClinVar variation 5035051 (VCV005035051.1).

ClinVar aggregate classification (germline): Uncertain significance (1 of 4 stars; one submission).

Conditions:
Hereditary pancreatitis (PCTT). Also called: Hereditary chronic pancreatitis; PRSS1-Related Hereditary Pancreatitis. Identifiers: Orphanet 676, MedGen C0238339, MONDO:0008185, OMIM 167800.

Submission:

Ambry Genetics
Classification: Uncertain significance for Hereditary pancreatitis. Last evaluated: 2026-07-20. Review status: criteria provided, single submitter. Criteria: Ambry Variant Classification Scheme 2023. Collection method: clinical testing. Allele origin: germline.
Comment: The p.R246P variant (also known as c.737G>C), located in coding exon 7 of the CTRC gene, results from a G to C substitution at nucleotide position 737. The arginine at codon 246 is replaced by proline, an amino acid with dissimilar properties. This amino acid position is conserved. In addition, this alteration is predicted to be tolerated by in silico analysis. Based on the available evidence, the clinical significance of this variant remains unclear.